The following is an entry in ClinVar:

NM_001267052.2(UNC45B):c.2340C>T (p.Thr780=)

Gene: UNC45B (unc-45 myosin chaperone B; plus strand). Cytogenetic location: 17q12.
Variant type: single nucleotide variant.
Coding change: c.2340C>T on transcript NM_001267052.2 (MANE Select); coding-DNA position 2340, C replaced by T.
Protein change: p.Thr780=; no amino-acid change (threonine 780 retained).
Molecular consequence: synonymous variant.
Genome position (GRCh38, 1-based): chr17:35,180,643, C>T. VCF-style: chr17-35180643-C-T. GRCh37 (hg19) VCF-style: chr17-33507662-C-T.
Other names: c.2340C>T, p.Thr780= (NM_001033576.2); c.2103C>T, p.Thr701= (NM_001308281.1); c.2346C>T, p.Thr782= (NM_173167.3).
Identifiers: ClinVar variation 4084732 (VCV004084732.8).

ClinVar aggregate classification (germline): Likely benign (1 of 4 stars; one submission).

gnomAD v4.1: 208 of 1,613,792 alleles (0.013%); highest among the groups gnomAD compares: Non-Finnish European, 0.016%; no homozygotes.

Submission:

CeGaT Center for Human Genetics Tuebingen
Classification: Likely benign. Last evaluated: 2025-07-01. Review status: criteria provided, single submitter. Criteria: CeGaT Center For Human Genetics Tuebingen Variant Classification Criteria Version 2. Collection method: clinical testing. Allele origin: germline. Affected: yes. Observed: 1 variant allele.
Comment: UNC45B: BP4, BP7